The following is an entry in ClinVar:

NM_138576.4(BCL11B):c.366C>T (p.Asp122=)

Gene: BCL11B (BCL11 transcription factor B; minus strand). Cytogenetic location: 14q32.2.
Variant type: single nucleotide variant.
Coding change: c.366C>T on transcript NM_138576.4 (MANE Select); coding-DNA position 366, C replaced by T.
Protein change: p.Asp122=; no amino-acid change (aspartic acid 122 retained).
Molecular consequence: synonymous variant.
Genome position (GRCh38, 1-based): chr14:99,257,532, G>A on the plus strand (C>T on the coding strand, the complement: BCL11B is on the minus strand). VCF-style: chr14-99257532-G-A. GRCh37 (hg19) VCF-style: chr14-99723869-G-A.
Other names: c.366C>T (NM_022898.2); c.363C>T, p.Asp121= (NM_001282237.2, NM_001282238.2); c.366C>T, p.Asp122= (NM_022898.3).
Identifiers: ClinVar variation 1563572 (VCV001563572.11), dbSNP rs757013819, ClinGen allele CA7339905.
Genomic context (GRCh38, chr14:99,257,532, plus strand): 5'-TGCAATGTTCTCCTGCTTGGGACAGATGCCTTTCGTGGGTGAGAGCAGGTGGTCATCTTC[G>A]TCGGGGGTGACTTGGATCCCGATCTCCACCGGCTCGGACACTTTCCTGAGCTCGGAGCGT-3'
Protein context (NP_612808.1, residues 112-132): PVEIGIQVTP[Asp122=]EDDHLLSPTK

ClinVar aggregate classification (germline): Likely benign. Review status: criteria provided, multiple submitters, no conflicts (2 of 4 stars). 3 submissions from 3 submitters: Likely benign (2). 1 of the submissions does not count toward it. Last evaluated 2025-11-24.

Conditions:
BCL11B-related disorder. Also called: BCL11B-Related Disorders.

Allele frequency attached by ClinVar (database versions not stated): TOPMed below 0.00001; gnomAD exomes 0.00002 and 0.00004; ExAC 0.00004.
gnomAD v4.1: 33 of 1,613,672 alleles (0.002%); highest among the groups gnomAD compares: South Asian, 0.011%; no homozygotes.

Submissions (3):

Labcorp Genetics (formerly Invitae), Labcorp
Classification: Likely benign. Last evaluated: 2025-11-24. Review status: criteria provided, single submitter. Criteria: Invitae Variant Classification Sherloc (09022015). Collection method: clinical testing. Allele origin: germline.

Blueprint Genetics
Classification: Likely benign. Last evaluated: 2023-09-07. Review status: criteria provided, single submitter. Criteria: ACMG Guidelines, 2015. Collection method: clinical testing. Allele origin: germline.

PreventionGenetics, part of Exact Sciences
Classification: Likely benign for BCL11B-related condition. Last evaluated: 2019-08-07. Review status: no assertion criteria provided. Collection method: clinical testing. Allele origin: germline. Not counted in ClinVar's aggregate classification.
Comment: This variant is classified as likely benign based on ACMG/AMP sequence variant interpretation guidelines (Richards et al. 2015 PMID: 25741868, with internal and published modifications).